The following is an entry in ClinVar:

NM_001378120.1(MBD5):c.290C>T (p.Thr97Ile)

Gene: MBD5 (methyl-CpG binding domain protein 5; plus strand). Cytogenetic location: 2q23.1.
Variant type: single nucleotide variant.
Coding change: c.290C>T on transcript NM_001378120.1 (MANE Select); coding-DNA position 290, C replaced by T.
Protein change: p.Thr97Ile; replaces threonine 97 with isoleucine.
Molecular consequence: missense variant.
Genome position (GRCh38, 1-based): chr2:148,463,812, C>T. VCF-style: chr2-148463812-C-T. GRCh37 (hg19) VCF-style: chr2-149221381-C-T.
Other names: c.290C>T, p.Thr97Ile (NM_018328.5); short protein forms T97I.
Identifiers: ClinVar variation 1375031 (VCV001375031.6), dbSNP rs1341554170, ClinGen allele CA348716475.

ClinVar aggregate classification (germline): Uncertain significance (1 of 4 stars; one submission).

Conditions:
Intellectual developmental disorder, autosomal dominant 1. Also called: Intellectual disability, autosomal dominant 1; MBD5 Haploinsufficiency. Identifiers: Orphanet 228402, MedGen C1969562, MONDO:0007974, OMIM 156200.

Allele frequency attached by ClinVar (database versions not stated): gnomAD exomes below 0.00001.
gnomAD v4.1: 1 of 1,613,730 alleles (0.000062%); highest among the groups gnomAD compares: South Asian, 0.0011%; no homozygotes.

Submission:

Labcorp Genetics (formerly Invitae), Labcorp
Classification: Uncertain significance for Intellectual developmental disorder, autosomal dominant 1. Last evaluated: 2021-08-14. Review status: criteria provided, single submitter. Criteria: Invitae Variant Classification Sherloc (09022015). Collection method: clinical testing. Allele origin: germline.
Comment: This variant has not been reported in the literature in individuals affected with MBD5-related conditions. In summary, the available evidence is currently insufficient to determine the role of this variant in disease. Therefore, it has been classified as a Variant of Uncertain Significance. Algorithms developed to predict the effect of missense changes on protein structure and function (SIFT, PolyPhen-2, Align-GVGD) all suggest that this variant is likely to be disruptive. This variant is not present in population databases (ExAC no frequency). This sequence change replaces threonine with isoleucine at codon 97 of the MBD5 protein (p.Thr97Ile). The threonine residue is highly conserved and there is a moderate physicochemical difference between threonine and isoleucine.